The following is an entry in ClinVar:

NM_001006658.3(CR2):c.2902+4C>A

Gene: CR2 (complement C3d receptor 2; plus strand). Cytogenetic location: 1q32.2.
Variant type: single nucleotide variant.
Coding change: c.2902+4C>A on transcript NM_001006658.3 (MANE Select); 4 bases into the intron after coding-DNA position 2902, C replaced by A.
Molecular consequence: intron variant.
Genome position (GRCh38, 1-based): chr1:207,476,423, C>A. VCF-style: chr1-207476423-C-A. GRCh37 (hg19) VCF-style: chr1-207649768-C-A.
Other names: c.2725+4C>A (NM_001877.5).
Identifiers: ClinVar variation 857784 (VCV000857784.9), dbSNP rs1366279164, ClinGen allele CA528999280.
Genomic context (GRCh38, chr1:207,476,423, plus strand): 5'-CACTCCTTCTTTGCACACATGAGGGAACCTGGAGCCAACCTGCCCCTCATTGTAAAGGTG[C>A]TTTGTCTATTTTTTATTCTTATTTTTATATCAAATTTGTGCCAAATAGATATATTCAGTT-3'

ClinVar aggregate classification (germline): Uncertain significance (1 of 4 stars; one submission).

Conditions:
Immunodeficiency, common variable, 7. Identifiers: Orphanet 1572, Orphanet 696894, MedGen C3542922, MONDO:0013862, OMIM 614699.

Allele frequency attached by ClinVar (database versions not stated): gnomAD exomes 0.00001 and below 0.00001.
gnomAD v4.1: 2 of 1,612,304 alleles (0.00012%); highest among the groups gnomAD compares: East Asian, 0.0045%; no homozygotes.

Submission:

Labcorp Genetics (formerly Invitae), Labcorp
Classification: Uncertain significance for Immunodeficiency, common variable, 7. Last evaluated: 2022-09-01. Review status: criteria provided, single submitter. Criteria: Invitae Variant Classification Sherloc (09022015). Collection method: clinical testing. Allele origin: germline.
Comment: In summary, the available evidence is currently insufficient to determine the role of this variant in disease. Therefore, it has been classified as a Variant of Uncertain Significance. Variants that disrupt the consensus splice site are a relatively common cause of aberrant splicing (PMID: 17576681, 9536098). Algorithms developed to predict the effect of sequence changes on RNA splicing suggest that this variant may create or strengthen a splice site. ClinVar contains an entry for this variant (Variation ID: 857784). This variant has not been reported in the literature in individuals affected with CR2-related conditions. This variant is present in population databases (no rsID available, gnomAD 0.01%). This sequence change falls in intron 15 of the CR2 gene. It does not directly change the encoded amino acid sequence of the CR2 protein. It affects a nucleotide within the consensus splice site.

Literature cited by the submitters: PubMed 17576681; PubMed 9536098.